The following is an entry in ClinVar:

NM_203446.3(SYNJ1):c.*253A>G

Gene: SYNJ1 (synaptojanin 1; minus strand). Cytogenetic location: 21q22.11.
Variant type: single nucleotide variant.
Coding change: c.*253A>G on transcript NM_203446.3 (MANE Select); 253 bases downstream of the stop codon, A replaced by G.
Molecular consequence: 3 prime UTR variant. On other transcripts: missense variant (2).
Genome position (GRCh38, 1-based): chr21:32,631,552, T>C on the plus strand (A>G on the coding strand, the complement: SYNJ1 is on the minus strand). VCF-style: chr21-32631552-T-C. GRCh37 (hg19) VCF-style: chr21-34003862-T-C.
Other names: c.*253A>G (NM_001160302.2); c.4024A>G, p.Met1342Val (NM_001160306.2); c.4282A>G, p.Met1428Val (NM_003895.4); short protein forms M1428V, M1342V.
Identifiers: ClinVar variation 638900 (VCV000638900.6), dbSNP rs1398328287, ClinGen allele CA410082266.

ClinVar aggregate classification (germline): Uncertain significance (1 of 4 stars; one submission).

Conditions:
Developmental and epileptic encephalopathy, 53. Also called: Epileptic encephalopathy, early infantile, 53. Identifiers: MedGen C4479313, MONDO:0033362, OMIM 617389.
Early-onset Parkinson disease 20. Also called: PARKINSON DISEASE 20, AUTOSOMAL RECESSIVE EARLY-ONSET. Identifiers: Orphanet 391411, MedGen C3809824, MONDO:0014233, OMIM 615530.

Allele frequency attached by ClinVar (database versions not stated): TOPMed below 0.00001; gnomAD 0.00001; gnomAD exomes 0.00001.
gnomAD v4.1: 4 of 1,614,064 alleles (0.00025%); highest among the groups gnomAD compares: African/African-American, 0.0013%; no homozygotes.

Submission:

Labcorp Genetics (formerly Invitae), Labcorp
Classification: Uncertain significance for Developmental and epileptic encephalopathy, 53; Early-onset Parkinson disease 20. Last evaluated: 2021-08-27. Review status: criteria provided, single submitter. Criteria: Invitae Variant Classification Sherloc (09022015). Collection method: clinical testing. Allele origin: germline.
Comment: This sequence change replaces methionine with valine at codon 1428 of the SYNJ1 protein (p.Met1428Val). The methionine residue is weakly conserved and there is a small physicochemical difference between methionine and valine. This variant is not present in population databases (ExAC no frequency). This variant has not been reported in the literature in individuals affected with SYNJ1-related conditions. Algorithms developed to predict the effect of missense changes on protein structure and function output the following: SIFT: "Tolerated"; PolyPhen-2: "Benign"; Align-GVGD: "Class C0". The valine amino acid residue is found in multiple mammalian species, which suggests that this missense change does not adversely affect protein function. Algorithms developed to predict the effect of sequence changes on RNA splicing suggest that this variant may create or strengthen a splice site. In summary, the available evidence is currently insufficient to determine the role of this variant in disease. Therefore, it has been classified as a Variant of Uncertain Significance.